The following is an entry in ClinVar:

NM_198129.4(LAMA3):c.7778+1G>A

Gene: LAMA3 (laminin subunit alpha 3; plus strand). Cytogenetic location: 18q11.2.
Variant type: single nucleotide variant.
Coding change: c.7778+1G>A on transcript NM_198129.4 (MANE Select); the canonical splice donor site of the intron after coding-DNA position 7778, G replaced by A.
Molecular consequence: splice donor variant.
Genome position (GRCh38, 1-based): chr18:23,915,423, G>A. VCF-style: chr18-23915423-G-A. GRCh37 (hg19) VCF-style: chr18-21495387-G-A.
Other names: c.7610+1G>A (NM_001127717.4); c.2951+1G>A (NM_000227.6); c.2783+1G>A (NM_001127718.4).
Identifiers: ClinVar variation 1068360 (VCV001068360.7), dbSNP rs2145252486, ClinGen allele CA402059393.

ClinVar aggregate classification (germline): Likely pathogenic (1 of 4 stars; one submission).

Submission:

Labcorp Genetics (formerly Invitae), Labcorp
Classification: Likely pathogenic. Last evaluated: 2023-06-09. Review status: criteria provided, single submitter. Criteria: Invitae Variant Classification Sherloc (09022015). Collection method: clinical testing. Allele origin: germline.
Comment: In summary, the currently available evidence indicates that the variant is pathogenic, but additional data are needed to prove that conclusively. Therefore, this variant has been classified as Likely Pathogenic. Algorithms developed to predict the effect of sequence changes on RNA splicing suggest that this variant may disrupt the consensus splice site. ClinVar contains an entry for this variant (Variation ID: 1068360). This variant has not been reported in the literature in individuals affected with LAMA3-related conditions. This variant is not present in population databases (gnomAD no frequency). This sequence change affects a donor splice site in intron 22 of the LAMA3 gene. It is expected to disrupt RNA splicing. Variants that disrupt the donor or acceptor splice site typically lead to a loss of protein function (PMID: 16199547), and loss-of-function variants in LAMA3 are known to be pathogenic (PMID: 10366601, 11810295, 12915477, 16473856, 17362460, 22434185, 23869449, 27827380, 28087116).

Literature cited by the submitters: PubMed 16199547; PubMed 10366601; PubMed 11810295; PubMed 12915477; PubMed 16473856; PubMed 17362460; PubMed 22434185; PubMed 23869449; PubMed 27827380; PubMed 28087116.